The following is an entry in ClinVar:

ClinVar aggregate classification (germline): Benign/Likely benign. Review status: criteria provided, multiple submitters, no conflicts (2 of 4 stars). 6 submissions from 6 submitters: Benign (1); Likely benign (5). Last evaluated 2026-06-01.

Conditions:
C1Q deficiency. Identifiers: MedGen C3150902, MONDO:0013343.

Allele frequency attached by ClinVar (database versions not stated): 1000 Genomes Project 0.00160; 1000 Genomes Project 30x 0.00172; ESP Exome Variant Server 0.00177; TOPMed 0.00178; ExAC 0.00216; gnomAD exomes 0.00252 and 0.00265; gnomAD 0.00260 and 0.00265.
gnomAD v4.1: 4,078 of 1,614,142 alleles (0.25%); highest among the groups gnomAD compares: Admixed American, 0.25%; 8 homozygotes.

Submissions (6):

CeGaT Center for Human Genetics Tuebingen
Classification: Likely benign. Last evaluated: 2026-06-01. Review status: criteria provided, single submitter. Criteria: CeGaT Center For Human Genetics Tuebingen Variant Classification Criteria Version 2. Collection method: clinical testing. Allele origin: germline. Affected: yes. Observed: 3 variant alleles.
Comment: C1QB: BP4, BP7

Labcorp Genetics (formerly Invitae), Labcorp
Classification: Benign. Last evaluated: 2026-01-24. Review status: criteria provided, single submitter. Criteria: Invitae Variant Classification Sherloc (09022015). Collection method: clinical testing. Allele origin: germline.

Mayo Clinic Laboratories, Mayo Clinic
Classification: Likely benign. Last evaluated: 2025-09-23. Review status: criteria provided, single submitter. Criteria: ACMG Guidelines, 2015. Collection method: clinical testing. Allele origin: germline. Observed: 1 variant allele.
Comment: BS1, BP4, BP7

Blueprint Genetics
Classification: Likely benign. Last evaluated: 2024-11-22. Review status: criteria provided, single submitter. Criteria: ACMG Guidelines, 2015. Collection method: clinical testing. Allele origin: germline.

Clinical Genetics DNA and cytogenetics Diagnostics Lab, Erasmus MC, Erasmus Medical Center
Classification: Likely benign for C1Q deficiency 1. Last evaluated: 2017-06-28. Review status: criteria provided, single submitter. Criteria: ACGS Guidelines, 2013. Collection method: clinical testing. Allele origin: germline. Affected: yes. Study: VKGL Data-share Consensus.

Genome Diagnostics Laboratory, University Medical Center Utrecht
Classification: Likely benign for C1Q deficiency 1. Last evaluated: 2017-01-27. Review status: criteria provided, single submitter. Criteria: ACGS Guidelines, 2013. Collection method: clinical testing. Allele origin: germline. Affected: yes. Study: VKGL Data-share Consensus.

NM_001378156.1(C1QB):c.543C>T (p.Asn181=)

Gene: C1QB (complement C1q B chain; plus strand). Cytogenetic location: 1p36.12.
Variant type: single nucleotide variant.
Coding change: c.543C>T on transcript NM_001378156.1 (MANE Select); coding-DNA position 543, C replaced by T.
Protein change: p.Asn181=; no amino-acid change (asparagine 181 retained).
Molecular consequence: synonymous variant.
Genome position (GRCh38, 1-based): chr1:22,661,173, C>T. VCF-style: chr1-22661173-C-T. GRCh37 (hg19) VCF-style: chr1-22987666-C-T.
Other names: p.Asn183=; c.549C>T, p.Asn183= (NM_000491.5); c.543C>T, p.Asn181= (NM_001371184.3).
Identifiers: ClinVar variation 522248 (VCV000522248.44), dbSNP rs149612866, ClinGen allele CA678185.